The following is an entry in ClinVar:

ClinVar aggregate classification (germline): Conflicting classifications of pathogenicity. Review status: criteria provided, conflicting classifications (1 of 4 stars). 4 submissions from 4 submitters: Uncertain significance (3); Benign (1). Last evaluated 2026-03-25.

Conditions:
Hereditary cancer-predisposing syndrome. Also called: Neoplastic Syndromes, Hereditary; Tumor predisposition; Hereditary Cancer Syndrome; Hereditary neoplastic syndrome. Identifiers: Orphanet 140162, MedGen C0027672, MeSH D009386, MONDO:0015356.
Tuberous sclerosis syndrome (TSC). Also called: Tuberous Sclerosis Complex; Tuberous sclerosis. Identifiers: Orphanet 805, MedGen C0041341, MONDO:0001734.
Tuberous sclerosis 2 (TSC2). Identifiers: Orphanet 805, MedGen C1860707, MONDO:0013199, OMIM 613254.

Allele frequency attached by ClinVar (database versions not stated): gnomAD exomes below 0.00001 and 0.00001; ExAC 0.00001.
gnomAD v4.1: 3 of 1,612,908 alleles (0.00019%); highest among the groups gnomAD compares: South Asian, 0.0011%; no homozygotes.

Submissions (4):

Ambry Genetics
Classification: Uncertain significance for Hereditary cancer-predisposing syndrome. Last evaluated: 2026-03-25. Review status: criteria provided, single submitter. Criteria: Ambry Variant Classification Scheme 2023. Collection method: clinical testing. Allele origin: germline.
Comment: The p.G1604S variant (also known as c.4810G>A), located in coding exon 36 of the TSC2 gene, results from a G to A substitution at nucleotide position 4810. The glycine at codon 1604 is replaced by serine, an amino acid with similar properties. This amino acid position is conserved. In addition, this alteration is predicted to be deleterious by in silico analysis. Based on the available evidence, the clinical significance of this variant remains unclear.

GeneDx
Classification: Uncertain significance. Last evaluated: 2025-06-24. Review status: criteria provided, single submitter. Criteria: GeneDx Variant Classification Process June 2021. Collection method: clinical testing. Allele origin: germline. Affected: yes.
Comment: In silico analysis supports that this missense variant has a deleterious effect on protein structure/function; Has not been previously published as pathogenic or benign to our knowledge; This variant is associated with the following publications: (PMID: 18466115)

Labcorp Genetics (formerly Invitae), Labcorp
Classification: Benign for Tuberous sclerosis 2. Last evaluated: 2024-11-20. Review status: criteria provided, single submitter. Criteria: Invitae Variant Classification Sherloc (09022015). Collection method: clinical testing. Allele origin: germline.

All of Us Research Program, National Institutes of Health
Classification: Uncertain significance for Tuberous sclerosis syndrome. Last evaluated: 2024-01-03. Review status: criteria provided, single submitter. Criteria: ACMG Guidelines, 2015. Collection method: clinical testing. Allele origin: germline. Inheritance: Autosomal dominant inheritance. Observed: 1 variant allele, 1 heterozygote.
Comment: This missense variant replaces glycine with serine at codon 1604 of the TSC2 protein. Computational prediction suggests that this variant may have deleterious impact on protein structure and function (internally defined REVEL score threshold >= 0.7, PMID: 27666373). To our knowledge, functional studies have not been reported for this variant. This variant has not been reported in individuals affected with TSC2-related disorders in the literature. This variant has been identified in 3/249188 chromosomes in the general population by the Genome Aggregation Database (gnomAD). The available evidence is insufficient to determine the role of this variant in disease conclusively. Therefore, this variant is classified as a Variant of Uncertain Significance.

This study involves interpretation of variants in research participants for the purpose of population health screening. Participant phenotype was not available at the time of variant classification. Additional details can be found in publication PMID: 35346344, PMCID: PMC8962531

NM_000548.5(TSC2):c.4810G>A (p.Gly1604Ser)

Gene: TSC2 (TSC complex subunit 2; plus strand). Cytogenetic location: 16p13.3.
Variant type: single nucleotide variant.
Coding change: c.4810G>A on transcript NM_000548.5 (MANE Select); coding-DNA position 4810, G replaced by A.
Protein change: p.Gly1604Ser; replaces glycine 1604 with serine.
Molecular consequence: missense variant.
Genome position (GRCh38, 1-based): chr16:2,086,340, G>A. VCF-style: chr16-2086340-G-A. GRCh37 (hg19) VCF-style: chr16-2136341-G-A.
Other names: c.4810G>A (NM_000548.3); c.4609G>A, p.Gly1537Ser (NM_001077183.3); c.4741G>A, p.Gly1581Ser (NM_001114382.3); c.4501G>A, p.Gly1501Ser (NM_001318827.2); c.4465G>A, p.Gly1489Ser (NM_001318829.2); c.4078G>A, p.Gly1360Ser (NM_001318831.2); c.4642G>A, p.Gly1548Ser (NM_001318832.2); c.4612G>A, p.Gly1538Ser (NM_001363528.2); and 2 more; short protein forms G1489S, G1548S, G1560S, G1581S, G1360S, G1561S, G1604S, G1538S.
Identifiers: ClinVar variation 1385391 (VCV001385391.10), dbSNP rs771289256, ClinGen allele CA052491.